The following is an entry in ClinVar:

NM_003628.6(PKP4):c.2128C>A (p.Gln710Lys)

Genes: PKP4 (plakophilin 4; plus strand), PKP4-AS1 (PKP4 antisense RNA 1; minus strand). Cytogenetic location: 2q24.1.
Variant type: single nucleotide variant.
Coding change: c.2128C>A on transcript NM_003628.6 (MANE Select); coding-DNA position 2128, C replaced by A.
Protein change: p.Gln710Lys; replaces glutamine 710 with lysine.
Molecular consequence: missense variant. On other transcripts: non-coding transcript variant (1).
Genome position (GRCh38, 1-based): chr2:158,661,367, C>A. VCF-style: chr2-158661367-C-A. GRCh37 (hg19) VCF-style: chr2-159517879-C-A.
Other names: c.2128C>A, p.Gln710Lys (NM_001005476.4, NM_001304971.2, NM_001377218.1 and 1 more transcripts); c.2125C>A, p.Gln709Lys (NM_001304969.3, NM_001377219.1, NM_001377220.1 and 2 more transcripts); c.1099C>A, p.Gln367Lys (NM_001304970.3); c.2122C>A, p.Gln708Lys (NM_001377222.1, NM_001377223.1); c.2119C>A, p.Gln707Lys (NM_001377224.1); short protein forms Q708K, Q709K, Q710K, Q707K, Q367K.
Identifiers: ClinVar variation 1786344 (VCV001786344.2), dbSNP rs369625242, ClinGen allele CA1920894.

ClinVar aggregate classification (germline): Uncertain significance (1 of 4 stars; one submission).

Allele frequency attached by ClinVar (database versions not stated): gnomAD exomes below 0.00001; ExAC 0.00002; gnomAD 0.00004; TOPMed 0.00005; ESP Exome Variant Server 0.00008.
gnomAD v4.1: 10 of 1,613,734 alleles (0.00062%); highest among the groups gnomAD compares: African/African-American, 0.011%; no homozygotes.

Submission:

Ambry Genetics
Classification: Uncertain significance. Last evaluated: 2022-10-17. Review status: criteria provided, single submitter. Criteria: Ambry Variant Classification Scheme 2023. Collection method: clinical testing. Allele origin: germline.
Comment: The p.Q710K variant (also known as c.2128C>A), located in coding exon 12 of the PKP4 gene, results from a C to A substitution at nucleotide position 2128. The glutamine at codon 710 is replaced by lysine, an amino acid with similar properties. This amino acid position is conserved. In addition, the in silico prediction for this alteration is inconclusive. Since supporting evidence is limited at this time, the clinical significance of this alteration remains unclear.